The following is an entry in ClinVar:

NM_001376.5(DYNC1H1):c.7054A>T (p.Thr2352Ser)

Gene: DYNC1H1 (dynein cytoplasmic 1 heavy chain 1; plus strand). Cytogenetic location: 14q32.31.
Variant type: single nucleotide variant.
Coding change: c.7054A>T on transcript NM_001376.5 (MANE Select); coding-DNA position 7054, A replaced by T.
Protein change: p.Thr2352Ser; replaces threonine 2352 with serine.
Molecular consequence: missense variant.
Genome position (GRCh38, 1-based): chr14:102,015,144, A>T. VCF-style: chr14-102015144-A-T. GRCh37 (hg19) VCF-style: chr14-102481481-A-T.
Other names: short protein forms T2352S.
Identifiers: ClinVar variation 2446183 (VCV002446183.3), dbSNP rs2503765028, ClinGen allele CA391059824.

ClinVar aggregate classification (germline): Uncertain significance. Review status: criteria provided, multiple submitters, no conflicts (2 of 4 stars). 2 submissions from 2 submitters: Uncertain significance (2). Last evaluated 2026-01-06.

Conditions:
Inborn genetic diseases. Identifiers: MedGen C0950123, MeSH D030342.

Submissions (2):

GeneDx
Classification: Uncertain significance. Last evaluated: 2026-01-06. Review status: criteria provided, single submitter. Criteria: GeneDx Variant Classification Process June 2021. Collection method: clinical testing. Allele origin: germline.
Comment: Not observed at significant frequency in large population cohorts (gnomAD); In silico analysis supports that this missense variant has a deleterious effect on protein structure/function; Has not been previously published as pathogenic or benign to our knowledge; This variant is associated with the following publications: (PMID: 25512093, 26100331, 25609763)

Ambry Genetics
Classification: Uncertain significance for Inborn genetic diseases. Last evaluated: 2024-12-03. Review status: criteria provided, single submitter. Criteria: Ambry Variant Classification Scheme 2023. Collection method: clinical testing. Allele origin: germline.